The following is an entry in ClinVar:

NM_000548.5(TSC2):c.2073C>A (p.Arg691=)

Gene: TSC2 (TSC complex subunit 2; plus strand). Cytogenetic location: 16p13.3.
Variant type: single nucleotide variant.
Coding change: c.2073C>A on transcript NM_000548.5 (MANE Select); coding-DNA position 2073, C replaced by A.
Protein change: p.Arg691=; no amino-acid change (arginine 691 retained).
Molecular consequence: synonymous variant.
Genome position (GRCh38, 1-based): chr16:2,071,910, C>A. VCF-style: chr16-2071910-C-A. GRCh37 (hg19) VCF-style: chr16-2121911-C-A.
Other names: c.2073C>A, p.Arg691= (NM_001077183.3, NM_001114382.3, NM_001363528.2 and 3 more transcripts); c.1962C>A, p.Arg654= (NM_001318827.2); c.1926C>A, p.Arg642= (NM_001318829.2); c.1473C>A, p.Arg491= (NM_001318831.2); c.2106C>A, p.Arg702= (NM_001318832.2).
Identifiers: ClinVar variation 702694 (VCV000702694.15), dbSNP rs45512398, ClinGen allele CA493042630.

ClinVar aggregate classification (germline): Benign/Likely benign. Review status: criteria provided, multiple submitters, no conflicts (2 of 4 stars). 5 submissions from 5 submitters: Benign (1); Likely benign (4). Last evaluated 2026-01-18.

Conditions:
Tuberous sclerosis syndrome (TSC). Also called: Tuberous Sclerosis Complex; Tuberous sclerosis. Identifiers: Orphanet 805, MedGen C0041341, MONDO:0001734.
Tuberous sclerosis 2 (TSC2). Identifiers: Orphanet 805, MedGen C1860707, MONDO:0013199, OMIM 613254.
Hereditary cancer-predisposing syndrome. Also called: Tumor predisposition; Hereditary neoplastic syndrome; Neoplastic Syndromes, Hereditary; Hereditary Cancer Syndrome. Identifiers: Orphanet 140162, MedGen C0027672, MeSH D009386, MONDO:0015356.

gnomAD v4.1: 4 of 1,592,704 alleles (0.00025%); highest among the groups gnomAD compares: African/African-American, 0.004%; no homozygotes.

Submissions (5):

Labcorp Genetics (formerly Invitae), Labcorp
Classification: Likely benign for Tuberous sclerosis 2. Last evaluated: 2026-01-18. Review status: criteria provided, single submitter. Criteria: Invitae Variant Classification Sherloc (09022015). Collection method: clinical testing. Allele origin: germline.

Myriad Genetics, Inc.
Classification: Benign for Tuberous sclerosis 2. Last evaluated: 2025-05-16. Review status: criteria provided, single submitter. Criteria: Myriad Autosomal Dominant, Autosomal Recessive and X-Linked Classification Criteria (2023). Collection method: clinical testing. Allele origin: unknown.
Comment: This variant is considered benign. This variant is a silent/synonymous amino acid change and it is not expected to impact splicing.

All of Us Research Program, National Institutes of Health
Classification: Likely benign for Tuberous sclerosis syndrome. Last evaluated: 2024-09-23. Review status: criteria provided, single submitter. Criteria: ACMG Guidelines, 2015. Collection method: clinical testing. Allele origin: germline. Inheritance: Autosomal dominant inheritance. Observed: 1 variant allele, 1 heterozygote.
Comment: This study involves interpretation of variants in research participants for the purpose of population health screening. Participant phenotype was not available at the time of variant classification. Additional details can be found in publication PMID: 35346344, PMCID: PMC8962531

Color Diagnostics, LLC DBA Color Health
Classification: Likely benign for Tuberous sclerosis syndrome. Last evaluated: 2022-09-23. Review status: criteria provided, single submitter. Criteria: ACMG Guidelines, 2015. Collection method: clinical testing. Allele origin: germline.

Ambry Genetics
Classification: Likely benign for Hereditary cancer-predisposing syndrome. Last evaluated: 2020-11-03. Review status: criteria provided, single submitter. Criteria: Ambry Variant Classification Scheme 2023. Collection method: clinical testing. Allele origin: germline.